The following is an entry in ClinVar:

ClinVar aggregate classification (germline): Benign/Likely benign. Review status: criteria provided, multiple submitters, no conflicts (2 of 4 stars). 3 submissions from 3 submitters: Benign (1); Likely benign (2). Last evaluated 2025-02-06.

Conditions:
Hereditary cancer-predisposing syndrome. Also called: Tumor predisposition; Hereditary neoplastic syndrome; Neoplastic Syndromes, Hereditary; Hereditary Cancer Syndrome. Identifiers: Orphanet 140162, MedGen C0027672, MeSH D009386, MONDO:0015356.
Hereditary diffuse gastric adenocarcinoma (HDGC). Also called: DIFFUSE GASTRIC AND LOBULAR BREAST CANCER SYNDROME. Identifiers: Orphanet 26106, MedGen C1708349, MONDO:0007648, OMIM 137215.

Allele frequency attached by ClinVar (database versions not stated): gnomAD exomes below 0.00001; ExAC 0.00001; gnomAD 0.00001; TOPMed 0.00001.
gnomAD v4.1: 2 of 1,614,104 alleles (0.00012%); highest among the groups gnomAD compares: African/African-American, 0.0027%; no homozygotes.

Submissions (3):

Labcorp Genetics (formerly Invitae), Labcorp
Classification: Likely benign. Last evaluated: 2025-02-06. Review status: criteria provided, single submitter. Criteria: Invitae Variant Classification Sherloc (09022015). Collection method: clinical testing. Allele origin: germline.

Myriad Genetics, Inc.
Classification: Benign for Hereditary diffuse gastric adenocarcinoma. Last evaluated: 2024-10-11. Review status: criteria provided, single submitter. Criteria: Myriad Autosomal Dominant, Autosomal Recessive and X-Linked Classification Criteria (2023). Collection method: clinical testing. Allele origin: unknown.
Comment: This variant is considered benign. This variant is a silent/synonymous amino acid change and it is not expected to impact splicing.

Ambry Genetics
Classification: Likely benign for Hereditary cancer-predisposing syndrome. Last evaluated: 2022-06-22. Review status: criteria provided, single submitter. Criteria: Ambry Variant Classification Scheme 2023. Collection method: clinical testing. Allele origin: germline.

NM_001903.5(CTNNA1):c.1515T>C (p.Ile505=)

Gene: CTNNA1 (catenin alpha 1; plus strand). Cytogenetic location: 5q31.2.
Variant type: single nucleotide variant.
Coding change: c.1515T>C on transcript NM_001903.5 (MANE Select); coding-DNA position 1515, T replaced by C.
Protein change: p.Ile505=; no amino-acid change (isoleucine 505 retained).
Molecular consequence: synonymous variant.
Genome position (GRCh38, 1-based): chr5:138,917,867, T>C. VCF-style: chr5-138917867-T-C. GRCh37 (hg19) VCF-style: chr5-138253556-T-C.
Other names: c.66T>C, p.Ile22= (NM_001324010.1, NM_001324006.1, NM_001324007.1 and 2 more transcripts); c.312T>C, p.Ile104= (NM_001324011.1); c.162T>C, p.Ile54= (NM_001324012.1, NM_001324013.1); c.1515T>C, p.Ile505= (NM_001290307.3, NM_001323982.2, NM_001323983.1 and 2 more transcripts); c.1206T>C, p.Ile402= (NM_001290309.3); c.1146T>C, p.Ile382= (NM_001290310.3); c.405T>C, p.Ile135= (NM_001290312.1, NM_001323987.1, NM_001323988.1 and 17 more transcripts); c.1422T>C, p.Ile474= (NM_001323986.2).
Identifiers: ClinVar variation 1634032 (VCV001634032.11), dbSNP rs770329095, ClinGen allele CA3431966.
Genomic context (GRCh38, chr5:138,917,867, plus strand): 5'-TCTTTTTAAAGAACAATGGGAAAAACAAGTCCGTGTTCTCACAGATGCTGTCGATGACAT[T>C]ACTTCCATTGATGACTTCTTGGCTGTCTCAGGTAATGAGCTGGTTCCCCAGAGAAGTATG-3'
Protein context (NP_001894.2, residues 495-515): VRVLTDAVDD[Ile505=]TSIDDFLAVS